The following is an entry in ClinVar:

NM_006514.4(SCN10A):c.2848A>G (p.Lys950Glu)

Genes: SCN10A (sodium voltage-gated channel alpha subunit 10; minus strand), LOC110121288 (VISTA enhancer hs2268; plus strand). Cytogenetic location: 3p22.2.
Variant type: single nucleotide variant.
Coding change: c.2848A>G on transcript NM_006514.4 (MANE Select); coding-DNA position 2848, A replaced by G.
Protein change: p.Lys950Glu; replaces lysine 950 with glutamic acid.
Molecular consequence: missense variant.
Genome position (GRCh38, 1-based): chr3:38,726,845, T>C on the plus strand (A>G on the coding strand, the complement: SCN10A is on the minus strand). VCF-style: chr3-38726845-T-C. GRCh37 (hg19) VCF-style: chr3-38768336-T-C.
Other names: c.2848A>G, p.Lys950Glu (NM_001293306.2); c.2554A>G, p.Lys852Glu (NM_001293307.2); short protein forms K950E, K852E.
Identifiers: ClinVar variation 4160560 (VCV004160560.1).

ClinVar aggregate classification (germline): Uncertain significance (1 of 4 stars; one submission).

Conditions:
Cardiovascular phenotype. Identifiers: MedGen CN230736.

gnomAD v4.1: 6 of 1,614,036 alleles (0.00037%); highest among the groups gnomAD compares: Non-Finnish European, 0.00042%; no homozygotes.

Submission:

Ambry Genetics
Classification: Uncertain significance for Cardiovascular phenotype. Last evaluated: 2025-08-30. Review status: criteria provided, single submitter. Criteria: Ambry Variant Classification Scheme 2023. Collection method: clinical testing. Allele origin: germline.
Comment: The p.K950E variant (also known as c.2848A>G), located in coding exon 16 of the SCN10A gene, results from an A to G substitution at nucleotide position 2848. The lysine at codon 950 is replaced by glutamic acid, an amino acid with similar properties. This amino acid position is conserved. In addition, this alteration is predicted to be tolerated by in silico analysis. Based on the available evidence, the clinical significance of this variant remains unclear.